The following is an entry in ClinVar:

ClinVar aggregate classification (germline): Likely benign. Review status: criteria provided, multiple submitters, no conflicts (2 of 4 stars). 3 submissions from 3 submitters: Likely benign (3). Last evaluated 2024-11-18.

Conditions:
Primary dilated cardiomyopathy (DCM). Also called: Dilated Cardiomyopathy. Identifiers: Orphanet 217604, MedGen C0007193, MeSH D002311, MONDO:0005021, HP:0001644. Inheritance: Various modes of inheritance.

Allele frequency attached by ClinVar (database versions not stated): gnomAD 0.00001; ExAC 0.00002; gnomAD exomes 0.00002 and 0.00004; TOPMed 0.00002; ESP Exome Variant Server 0.00008.
gnomAD v4.1: 57 of 1,613,534 alleles (0.0035%); highest among the groups gnomAD compares: Non-Finnish European, 0.0047%; no homozygotes.

Submissions (3):

Blueprint Genetics
Classification: Likely benign. Last evaluated: 2024-11-18. Review status: criteria provided, single submitter. Criteria: ACMG Guidelines, 2015. Collection method: clinical testing. Allele origin: germline.

Labcorp Genetics (formerly Invitae), Labcorp
Classification: Likely benign for Primary dilated cardiomyopathy. Last evaluated: 2022-07-26. Review status: criteria provided, single submitter. Criteria: Invitae Variant Classification Sherloc (09022015). Collection method: clinical testing. Allele origin: germline.

GeneDx
Classification: Likely benign. Last evaluated: 2016-12-20. Review status: criteria provided, single submitter. Criteria: GeneDx Variant Classification (06012015). Collection method: clinical testing. Allele origin: germline. Affected: yes.
Comment: This variant is considered likely benign or benign based on one or more of the following criteria: it is a conservative change, it occurs at a poorly conserved position in the protein, it is predicted to be benign by multiple in silico algorithms, and/or has population frequency not consistent with disease.

NM_006440.5(TXNRD2):c.588G>A (p.Thr196=)

Gene: TXNRD2 (thioredoxin reductase 2; minus strand). Cytogenetic location: 22q11.21.
Variant type: single nucleotide variant.
Coding change: c.588G>A on transcript NM_006440.5 (MANE Select); coding-DNA position 588, G replaced by A.
Protein change: p.Thr196=; no amino-acid change (threonine 196 retained).
Molecular consequence: synonymous variant. On other transcripts: non-coding transcript variant (1).
Genome position (GRCh38, 1-based): chr22:19,915,217, C>T on the plus strand (G>A on the coding strand, the complement: TXNRD2 is on the minus strand). VCF-style: chr22-19915217-C-T. GRCh37 (hg19) VCF-style: chr22-19902740-C-T.
Other names: c.588G>A, p.Thr196= (NM_001282512.3); c.585G>A, p.Thr195= (NM_001352300.2); c.498G>A, p.Thr166= (NM_001352301.2); c.300G>A, p.Thr100= (NM_001352302.2); c.492G>A, p.Thr164= (NM_001352303.2).
Identifiers: ClinVar variation 391861 (VCV000391861.11), dbSNP rs377699868, ClinGen allele CA10104120.
Genomic context (GRCh38, chr22:19,915,217, plus strand): 5'-CAAAGAGGCCGGGAATGGGCCACGGCAGCAGGGACGCTATGCTCTGGGGACACTCACGTG[C>T]GTGGGGTATCTCGGCCGCCCTCCAGTAGCAATGATGATGTGATCGGCTGACAGCAGAATC-3'
Protein context (NP_006431.2, residues 186-206): IATGGRPRYP[Thr196=]HIEGALEYGI